The following is an entry in ClinVar:

NM_001130173.2(MYB):c.1776A>G (p.Lys592=)

Gene: MYB (MYB proto-oncogene, transcription factor; plus strand). Cytogenetic location: 6q23.3.
Variant type: single nucleotide variant.
Coding change: c.1776A>G on transcript NM_001130173.2 (MANE Select); coding-DNA position 1776, A replaced by G.
Protein change: p.Lys592=; no amino-acid change (lysine 592 retained).
Molecular consequence: synonymous variant. On other transcripts: non-coding transcript variant (8).
Genome position (GRCh38, 1-based): chr6:135,200,151, A>G. VCF-style: chr6-135200151-A-G. GRCh37 (hg19) VCF-style: chr6-135521289-A-G.
Other names: c.1404A>G, p.Lys468= (NM_001130172.2); c.1767A>G, p.Lys589= (NM_001161656.2); c.1158A>G, p.Lys386= (NM_001161657.2); c.1728A>G, p.Lys576= (NM_001161658.2); c.1413A>G, p.Lys471= (NM_001161659.2, NM_005375.4); c.1308A>G, p.Lys436= (NM_001161660.2).
Identifiers: ClinVar variation 734815 (VCV000734815.5), dbSNP rs75521209, ClinGen allele CA4011649.

ClinVar aggregate classification (germline): Benign. Review status: criteria provided, single submitter (1 of 4 stars). 2 submissions from 2 submitters: Benign (1). 1 of the submissions does not count toward it. Last evaluated 2018-07-31.

Conditions:
MYB-related disorder. Also called: MYB-related condition.

Allele frequency attached by ClinVar (database versions not stated): gnomAD exomes 0.00034 and 0.00080; ExAC 0.00100; gnomAD 0.00329 and 0.00354; 1000 Genomes Project 0.00379; ESP Exome Variant Server 0.00392; TOPMed 0.00402; 1000 Genomes Project 30x 0.00468.
gnomAD v4.1: 1,013 of 1,614,196 alleles (0.063%); highest among the groups gnomAD compares: African/African-American, 1.2%; 3 homozygotes.

Submissions (2):

Labcorp Genetics (formerly Invitae), Labcorp
Classification: Benign. Last evaluated: 2018-07-31. Review status: criteria provided, single submitter. Criteria: Invitae Variant Classification Sherloc (09022015). Collection method: clinical testing. Allele origin: germline.

PreventionGenetics, part of Exact Sciences
Classification: Benign for MYB-related condition. Last evaluated: 2020-12-14. Review status: no assertion criteria provided. Collection method: clinical testing. Allele origin: germline. Not counted in ClinVar's aggregate classification.
Comment: This variant is classified as benign based on ACMG/AMP sequence variant interpretation guidelines (Richards et al. 2015 PMID: 25741868, with internal and published modifications).